The following is an entry in ClinVar:

ClinVar aggregate classification (germline): Pathogenic (1 of 4 stars; one submission).

Submission:

Labcorp Genetics (formerly Invitae), Labcorp
Classification: Pathogenic. Last evaluated: 2022-12-18. Review status: criteria provided, single submitter. Criteria: Invitae Variant Classification Sherloc (09022015). Collection method: clinical testing. Allele origin: germline.
Comment: This sequence change creates a premature translational stop signal (p.Gln2944*) in the CPLANE1 gene. It is expected to result in an absent or disrupted protein product. Loss-of-function variants in CPLANE1 are known to be pathogenic (PMID: 24178751, 26092869). This variant is not present in population databases (gnomAD no frequency). This variant has not been reported in the literature in individuals affected with CPLANE1-related conditions. ClinVar contains an entry for this variant (Variation ID: 1451870). For these reasons, this variant has been classified as Pathogenic.

Literature cited by the submitters: PubMed 24178751; PubMed 26092869.

NM_001384732.1(CPLANE1):c.8992C>T (p.Gln2998Ter)

Gene: CPLANE1 (ciliogenesis and planar polarity effector complex subunit 1; minus strand). Cytogenetic location: 5p13.2.
Variant type: single nucleotide variant.
Coding change: c.8992C>T on transcript NM_001384732.1 (MANE Select); coding-DNA position 8992, C replaced by T.
Protein change: p.Gln2998Ter; replaces glutamine 2998 with a stop codon.
Molecular consequence: nonsense.
Genome position (GRCh38, 1-based): chr5:37,122,455, G>A on the plus strand (C>T on the coding strand, the complement: CPLANE1 is on the minus strand). VCF-style: chr5-37122455-G-A. GRCh37 (hg19) VCF-style: chr5-37122557-G-A.
Other names: c.8830C>T, p.Gln2944Ter (NM_023073.4); short protein forms Q2944*, Q2998*.
Identifiers: ClinVar variation 1451870 (VCV001451870.6), dbSNP rs1234849009, ClinGen allele CA359496835.